The following is an entry in ClinVar:

ClinVar aggregate classification (germline): Uncertain significance. Review status: criteria provided, multiple submitters, no conflicts (2 of 4 stars). 3 submissions from 3 submitters: Uncertain significance (3). Last evaluated 2024-12-02.

Conditions:
Walker-Warburg congenital muscular dystrophy. Also called: Muscular dystrophy-dystroglycanopathy, type A; Walker-Warburg syndrome. Identifiers: Orphanet 899, MedGen C0265221, MONDO:0000171.
Muscular dystrophy-dystroglycanopathy (congenital with impaired intellectual development), type B, 1. Also called: Muscular dystrophy-dystroglycanopathy (congenital with intellectual disability), type B1; MUSCULAR DYSTROPHY, CONGENITAL, POMT1-RELATED. Identifiers: MedGen C5436962, MONDO:0013159, OMIM 613155.
Autosomal recessive limb-girdle muscular dystrophy type 2K. Also called: MUSCULAR DYSTROPHY-DYSTROGLYCANOPATHY (LIMB-GIRDLE), TYPE C, 1; MUSCULAR DYSTROPHY, LIMB-GIRDLE, TYPE 2K. Identifiers: Orphanet 86812, MedGen C1836373, MONDO:0012248, OMIM 609308.

Allele frequency attached by ClinVar (database versions not stated): gnomAD 0.00003 and 0.00004; TOPMed 0.00003; ESP Exome Variant Server 0.00008.
gnomAD v4.1: 28 of 1,614,016 alleles (0.0017%); highest among the groups gnomAD compares: Non-Finnish European, 0.002%; no homozygotes.

Submissions (3):

Labcorp Genetics (formerly Invitae), Labcorp
Classification: Uncertain significance for Muscular dystrophy-dystroglycanopathy (congenital with impaired intellectual development), type B, 1; Walker-Warburg congenital muscular dystrophy; Autosomal recessive limb-girdle muscular dystrophy type 2K. Last evaluated: 2024-12-02. Review status: criteria provided, single submitter. Criteria: Invitae Variant Classification Sherloc (09022015). Collection method: clinical testing. Allele origin: germline.
Comment: This sequence change replaces arginine, which is basic and polar, with tryptophan, which is neutral and slightly polar, at codon 621 of the POMT1 protein (p.Arg621Trp). This variant is present in population databases (rs150899645, gnomAD 0.1%). This variant has not been reported in the literature in individuals affected with POMT1-related conditions. ClinVar contains an entry for this variant (Variation ID: 285305). Invitae Evidence Modeling of protein sequence and biophysical properties (such as structural, functional, and spatial information, amino acid conservation, physicochemical variation, residue mobility, and thermodynamic stability) indicates that this missense variant is not expected to disrupt POMT1 protein function with a negative predictive value of 80%. In summary, the available evidence is currently insufficient to determine the role of this variant in disease. Therefore, it has been classified as a Variant of Uncertain Significance.

Revvity Omics, Revvity
Classification: Uncertain significance. Last evaluated: 2021-07-06. Review status: criteria provided, single submitter. Criteria: ACMG Guidelines, 2015. Collection method: clinical testing. Allele origin: germline.

Eurofins Ntd Llc (ga)
Classification: Uncertain significance. Last evaluated: 2015-12-17. Review status: criteria provided, single submitter. Criteria: EGL Classification Definitions 2015. Collection method: clinical testing. Allele origin: germline. Observed: 1 variant allele, 1 heterozygote.

NM_001077365.2(POMT1):c.1795C>T (p.Arg599Trp)

Gene: POMT1 (protein O-mannosyltransferase 1; plus strand). Cytogenetic location: 9q34.13.
Variant type: single nucleotide variant.
Coding change: c.1795C>T on transcript NM_001077365.2 (MANE Select); coding-DNA position 1795, C replaced by T.
Protein change: p.Arg599Trp; replaces arginine 599 with tryptophan.
Molecular consequence: missense variant. On other transcripts: non-coding transcript variant (10).
Genome position (GRCh38, 1-based): chr9:131,521,442, C>T. VCF-style: chr9-131521442-C-T. GRCh37 (hg19) VCF-style: chr9-134396829-C-T.
Other names: c.1633C>T, p.Arg545Trp (NM_001077366.2, NM_001353194.2); c.1795C>T, p.Arg599Trp (NM_001136113.2); c.1444C>T, p.Arg482Trp (NM_001136114.2, NM_001353195.2, NM_001374691.1 and 2 more transcripts); c.1861C>T, p.Arg621Trp (NM_001353193.2, NM_007171.4); c.1705C>T, p.Arg569Trp (NM_001353196.2); c.1699C>T, p.Arg567Trp (NM_001353197.2, NM_001353198.2); c.1510C>T, p.Arg504Trp (NM_001353199.2); c.1339C>T, p.Arg447Trp (NM_001353200.2); and 3 more; short protein forms R621W, R504W, R569W, R482W, R545W, R567W, R599W, R447W.
Identifiers: ClinVar variation 285305 (VCV000285305.12), dbSNP rs150899645, ClinGen allele CA5293826.
Genomic context (GRCh38, chr9:131,521,442, plus strand): 5'-GTTTCGGGCAGCCTCGCTCTGGCCATCTACGCCCTGCTGTCCTTGTGGTACCTGCTCCGA[C>T]GGCGAAGAAATGTCCATGACCTCCCTCAGGGTTAGTACCTCTCCCACATGGCTTTCTTTC-3'
Protein context (NP_001070833.1, residues 589-609): ALLSLWYLLR[Arg599Trp]RRNVHDLPQD